The following is an entry in ClinVar:

ClinVar aggregate classification (germline): Benign. Review status: criteria provided, multiple submitters, no conflicts (2 of 4 stars). 2 submissions from 2 submitters: Benign (2). Last evaluated 2018-01-12.

Conditions:
Landau-Kleffner syndrome (FESD). Also called: EPILEPSY, FOCAL, WITH SPEECH DISORDER AND WITH OR WITHOUT MENTAL RETARDATION; APHASIA, ACQUIRED, WITH EPILEPSY. Identifiers: Orphanet 1945, Orphanet 725, Orphanet 98818, MedGen C0282512, MONDO:0009509, OMIM 245570.

Allele frequency attached by ClinVar (database versions not stated): 1000 Genomes Project 0.00719; 1000 Genomes Project 30x 0.00750; gnomAD exomes 0.01316; TOPMed 0.01198; gnomAD 0.01228 and 0.01230.
gnomAD v4.1: 2,321 of 186,536 alleles (1.2%); highest among the groups gnomAD compares: Middle Eastern, 3.7%; 22 homozygotes.

Submissions (2):

Illumina Laboratory Services, Illumina
Classification: Benign for Landau-Kleffner syndrome. Last evaluated: 2018-01-12. Review status: criteria provided, single submitter. Criteria: ICSL Variant Classification Criteria 13 December 2019. Collection method: clinical testing. Allele origin: germline.
Comment: This variant was observed in the ICSL laboratory as part of a predisposition screen in an ostensibly healthy population. It had not been previously curated by ICSL or reported in the Human Gene Mutation Database (HGMD: prior to June 1st, 2018), and was therefore a candidate for classification through an automated scoring system. Utilizing variant allele frequency, disease prevalence and penetrance estimates, and inheritance mode, an automated score was calculated to assess if this variant is too frequent to cause the disease. Based on the score and internal cut-off values, a variant classified as benign is not then subjected to further curation. The score for this variant resulted in a classification of benign for this disease.

Breakthrough Genomics
Classification: Benign. Review status: criteria provided, single submitter. Criteria: ACMG Guidelines, 2015. Collection method: not provided. Allele origin: germline. Inheritance: Autosomal dominant inheritance. Affected: yes.

NM_001134407.3(GRIN2A):c.*6444G>A

Gene: GRIN2A (glutamate ionotropic receptor NMDA type subunit 2A; minus strand). Cytogenetic location: 16p13.2.
Variant type: single nucleotide variant.
Coding change: c.*6444G>A on transcript NM_001134407.3 (MANE Select); 6444 bases downstream of the stop codon, G replaced by A.
Molecular consequence: 3 prime UTR variant.
Genome position (GRCh38, 1-based): chr16:9,756,705, C>T on the plus strand (G>A on the coding strand, the complement: GRIN2A is on the minus strand). VCF-style: chr16-9756705-C-T. GRCh37 (hg19) VCF-style: chr16-9850562-C-T.
Other names: c.*6444G>A (NM_000833.5); c.*6650G>A (NM_001134408.2).
Identifiers: ClinVar variation 321510 (VCV000321510.6), dbSNP rs149410193, ClinGen allele CA10638735.
Genomic context (GRCh38, chr16:9,756,705, plus strand): 5'-TTATATCTTAAGGTTGTTTTGAGGATCACATTCTAGGATATGCCTAGAATATCGCCTACA[C>T]TCAATTTAGATATATTTTGATATTTTCAAATTCAGGTGCAGATCCATGGCAAGTACTTGC-3'